The following is an entry in ClinVar:

NM_001378454.1(ALMS1):c.157G>A (p.Glu53Lys)

Gene: ALMS1 (ALMS1 centrosome and basal body associated protein; plus strand). Cytogenetic location: 2p13.1.
Variant type: single nucleotide variant.
Coding change: c.157G>A on transcript NM_001378454.1 (MANE Select); coding-DNA position 157, G replaced by A.
Protein change: p.Glu53Lys; replaces glutamic acid 53 with lysine.
Molecular consequence: missense variant.
Genome position (GRCh38, 1-based): chr2:73,386,025, G>A. VCF-style: chr2-73386025-G-A. GRCh37 (hg19) VCF-style: chr2-73613153-G-A.
Other names: c.160G>A, p.Glu54Lys (NM_015120.4); short protein forms E54K, E53K.
Identifiers: ClinVar variation 1388993 (VCV001388993.3), dbSNP rs2104058756, ClinGen allele CA347250724.

ClinVar aggregate classification (germline): Uncertain significance (1 of 4 stars; one submission).

Conditions:
Alstrom syndrome (ALMS). Identifiers: Orphanet 64, MedGen C0268425, MONDO:0008763, OMIM 203800.

Allele frequency attached by ClinVar (database versions not stated): gnomAD exomes below 0.00001.
gnomAD v4.1: 1 of 1,558,824 alleles (0.000064%); highest among the groups gnomAD compares: Middle Eastern, 0.017%; no homozygotes.

Submission:

Labcorp Genetics (formerly Invitae), Labcorp
Classification: Uncertain significance for Alstrom syndrome. Last evaluated: 2021-10-27. Review status: criteria provided, single submitter. Criteria: Invitae Variant Classification Sherloc (09022015). Collection method: clinical testing. Allele origin: germline.
Comment: This sequence change replaces glutamic acid, a(n) acidic and polar amino acid, with lysine, a(n) basic and polar amino acid, at codon 54 of the ALMS1 protein (p.Glu54Lys). This variant is not present in population databases (gnomAD no frequency). This variant has not been reported in the literature in individuals affected with ALMS1-related conditions. Experimental studies and prediction algorithms are not available or were not evaluated, and the functional significance of this variant is currently unknown. In summary, the available evidence is currently insufficient to determine the role of this variant in disease. Therefore, it has been classified as a Variant of Uncertain Significance.